The following is an entry in ClinVar:

ClinVar aggregate classification (germline): Pathogenic (1 of 4 stars; one submission).

Conditions:
Seizures, benign familial infantile, 3 (BFIS3). Also called: CONVULSIONS, BENIGN FAMILIAL INFANTILE, 3; Familial neonatal seizures. Identifiers: Orphanet 140927, Orphanet 306, MedGen C1843140, MONDO:0011904, OMIM 607745.
Developmental and epileptic encephalopathy, 11 (DEE11). Also called: Early infantile epileptic encephalopathy 11. Identifiers: Orphanet 1934, MedGen C3150987, MONDO:0013388, OMIM 613721.

Submission:

Labcorp Genetics (formerly Invitae), Labcorp
Classification: Pathogenic for Seizures, benign familial infantile, 3; Developmental and epileptic encephalopathy, 11. Last evaluated: 2023-08-31. Review status: criteria provided, single submitter. Criteria: Invitae Variant Classification Sherloc (09022015). Collection method: clinical testing. Allele origin: germline.
Comment: For these reasons, this variant has been classified as Pathogenic. Advanced modeling of protein sequence and biophysical properties (such as structural, functional, and spatial information, amino acid conservation, physicochemical variation, residue mobility, and thermodynamic stability) performed at Invitae indicates that this missense variant is expected to disrupt SCN2A protein function. This missense change has been observed in individual(s) with SCN2A-related conditions (Invitae). In at least one individual the variant was observed to be de novo. This variant is not present in population databases (gnomAD no frequency). This sequence change replaces leucine, which is neutral and non-polar, with serine, which is neutral and polar, at codon 979 of the SCN2A protein (p.Leu979Ser).

NM_001040142.2(SCN2A):c.2936T>C (p.Leu979Ser)

Gene: SCN2A (sodium voltage-gated channel alpha subunit 2; plus strand). Cytogenetic location: 2q24.3.
Variant type: single nucleotide variant.
Coding change: c.2936T>C on transcript NM_001040142.2 (MANE Select); coding-DNA position 2936, T replaced by C.
Protein change: p.Leu979Ser; replaces leucine 979 with serine.
Molecular consequence: missense variant.
Genome position (GRCh38, 1-based): chr2:165,354,208, T>C. VCF-style: chr2-165354208-T-C. GRCh37 (hg19) VCF-style: chr2-166210718-T-C.
Other names: c.2936T>C, p.Leu979Ser (NM_001040143.2, NM_001371246.1, NM_001371247.1 and 1 more transcripts); short protein forms L979S.
Identifiers: ClinVar variation 2949441 (VCV002949441.3), dbSNP rs1553583544, ClinGen allele CA349019392.